The following is an entry in ClinVar:

NM_012213.3(MLYCD):c.1420A>G (p.Ile474Val)

Gene: MLYCD (malonyl-CoA decarboxylase; plus strand). Cytogenetic location: 16q23.3.
Variant type: single nucleotide variant.
Coding change: c.1420A>G on transcript NM_012213.3 (MANE Select); coding-DNA position 1420, A replaced by G.
Protein change: p.Ile474Val; replaces isoleucine 474 with valine.
Molecular consequence: missense variant.
Genome position (GRCh38, 1-based): chr16:83,915,427, A>G. VCF-style: chr16-83915427-A-G. GRCh37 (hg19) VCF-style: chr16-83949032-A-G.
Other names: c.1420A>G (NM_012213.2); short protein forms I474V.
Identifiers: ClinVar variation 501148 (VCV000501148.16), dbSNP rs375935118, ClinGen allele CA8197634.

ClinVar aggregate classification (germline): Conflicting classifications of pathogenicity. Review status: criteria provided, conflicting classifications (1 of 4 stars). 5 submissions from 5 submitters: Uncertain significance (3); Likely benign (2). Last evaluated 2026-01-24.

Conditions:
Deficiency of malonyl-CoA decarboxylase. Also called: Malonic aciduria; MCD deficiency. Identifiers: Orphanet 943, MedGen C0342793, MONDO:0009556, OMIM 248360.

Allele frequency attached by ClinVar (database versions not stated): ExAC 0.00006; gnomAD exomes 0.00007; ESP Exome Variant Server 0.00033; gnomAD 0.00039 and 0.00042; 1000 Genomes Project 0.00040; 1000 Genomes Project 30x 0.00047; TOPMed 0.00056.
gnomAD v4.1: 108 of 1,613,700 alleles (0.0067%); highest among the groups gnomAD compares: African/African-American, 0.13%; no homozygotes.

Submissions (5):

Labcorp Genetics (formerly Invitae), Labcorp
Classification: Likely benign for Deficiency of malonyl-CoA decarboxylase. Last evaluated: 2026-01-24. Review status: criteria provided, single submitter. Criteria: Invitae Variant Classification Sherloc (09022015). Collection method: clinical testing. Allele origin: germline.

GeneDx
Classification: Uncertain significance. Last evaluated: 2025-12-15. Review status: criteria provided, single submitter. Criteria: GeneDx Variant Classification Process June 2021. Collection method: clinical testing. Allele origin: germline.
Comment: In silico analysis suggests that this missense variant does not alter protein structure/function; Has not been previously published as pathogenic or benign to our knowledge

Blueprint Genetics
Classification: Likely benign. Last evaluated: 2024-06-10. Review status: criteria provided, single submitter. Criteria: ACMG Guidelines, 2015. Collection method: clinical testing. Allele origin: germline.

Revvity Omics, Revvity
Classification: Uncertain significance for Deficiency of malonyl-CoA decarboxylase. Last evaluated: 2022-06-13. Review status: criteria provided, single submitter. Criteria: ACMG Guidelines, 2015. Collection method: clinical testing. Allele origin: germline.

Eurofins Ntd Llc (ga)
Classification: Uncertain significance. Last evaluated: 2017-03-27. Review status: criteria provided, single submitter. Criteria: EGL Classification Definitions 2015. Collection method: clinical testing. Allele origin: germline. Observed: 2 variant alleles, 2 heterozygotes.